The following is an entry in ClinVar:

NM_206933.4(USH2A):c.11012C>T (p.Pro3671Leu)

Gene: USH2A (usherin; minus strand). Cytogenetic location: 1q41.
Variant type: single nucleotide variant.
Coding change: c.11012C>T on transcript NM_206933.4 (MANE Select); coding-DNA position 11012, C replaced by T.
Protein change: p.Pro3671Leu; replaces proline 3671 with leucine.
Molecular consequence: missense variant.
Genome position (GRCh38, 1-based): chr1:215,766,716, G>A on the plus strand (C>T on the coding strand, the complement: USH2A is on the minus strand). VCF-style: chr1-215766716-G-A. GRCh37 (hg19) VCF-style: chr1-215940058-G-A.
Other names: short protein forms P3671L.
Identifiers: ClinVar variation 1004448 (VCV001004448.11), dbSNP rs1238814587, ClinGen allele CA344826964.

ClinVar aggregate classification (germline): Uncertain significance. Review status: criteria provided, single submitter (1 of 4 stars). 2 submissions from 2 submitters: Uncertain significance (1). 1 of the submissions does not count toward it. Last evaluated 2022-09-07.

Conditions:
Usher syndrome type 2A. Also called: RETINAL DISEASE IN USHER SYNDROME TYPE IIA, MODIFIER OF; USHER SYNDROME, TYPE IIA. Identifiers: Orphanet 231178, Orphanet 886, MedGen C1848634, MONDO:0010169, OMIM 276901.

Submissions (2):

Labcorp Genetics (formerly Invitae), Labcorp
Classification: Uncertain significance. Last evaluated: 2022-09-07. Review status: criteria provided, single submitter. Criteria: Invitae Variant Classification Sherloc (09022015). Collection method: clinical testing. Allele origin: germline.
Comment: This variant is not present in population databases (gnomAD no frequency). In summary, the available evidence is currently insufficient to determine the role of this variant in disease. Therefore, it has been classified as a Variant of Uncertain Significance. Algorithms developed to predict the effect of missense changes on protein structure and function are either unavailable or do not agree on the potential impact of this missense change (SIFT: "Deleterious"; PolyPhen-2: "Benign"; Align-GVGD: "Class C0"). ClinVar contains an entry for this variant (Variation ID: 1004448). This variant has not been reported in the literature in individuals affected with USH2A-related conditions. This sequence change replaces proline, which is neutral and non-polar, with leucine, which is neutral and non-polar, at codon 3671 of the USH2A protein (p.Pro3671Leu).

Natera, Inc.
Classification: Uncertain significance for Usher syndrome type 2A. Last evaluated: 2021-03-26. Review status: no assertion criteria provided. Collection method: clinical testing. Allele origin: germline. Not counted in ClinVar's aggregate classification.